The following is an entry in ClinVar:

NM_001242896.3(DEPDC5):c.1325-2_1360del

Gene: DEPDC5 (DEP domain containing 5, GATOR1 subcomplex subunit; plus strand). Cytogenetic location: 22q12.3.
Variant type: Deletion.
Coding change: c.1325-2_1360del on transcript NM_001242896.3 (MANE Select); the canonical splice acceptor site of the intron before coding-DNA position 1325 through coding-DNA position 1360, 38 bases deleted.
Molecular consequence: splice acceptor variant.
Genome position (GRCh38, 1-based): chr22:31,810,519-31,810,556, 38 bases deleted; deleting any 38 consecutive bases within chr22:31,810,516-31,810,556 gives the same sequence; the c. name uses the placement nearest the transcript's 3' end. GRCh37 (hg19): chr22:32,206,505-32,206,542.
Other names: c.1325-2_1360del (NM_001364318.2, NM_001136029.4, NM_014662.6 and 7 more transcripts); c.1241-2_1276del (NM_001369902.1, NM_001369901.1).
Identifiers: ClinVar variation 2757457 (VCV002757457.3), dbSNP rs2519098517, ClinGen allele CA2697552706.

ClinVar aggregate classification (germline): Likely pathogenic (1 of 4 stars; one submission).

Conditions:
Familial focal epilepsy with variable foci (FPEVF). Identifiers: Orphanet 98820, MedGen C1858477, MONDO:0020310.

Submission:

Labcorp Genetics (formerly Invitae), Labcorp
Classification: Likely pathogenic for Familial focal epilepsy with variable foci. Last evaluated: 2023-09-03. Review status: criteria provided, single submitter. Criteria: Invitae Variant Classification Sherloc (09022015). Collection method: clinical testing. Allele origin: germline.
Comment: This variant results in the deletion of part of exon 20 (c.1325-2_1360del) of the DEPDC5 gene. It is expected to disrupt RNA splicing. Variants that disrupt the donor or acceptor splice site typically lead to a loss of protein function (PMID: 16199547), and loss-of-function variants in DEPDC5 are known to be pathogenic (PMID: 23542697, 23542701). This variant is not present in population databases (gnomAD no frequency). This variant has not been reported in the literature in individuals affected with DEPDC5-related conditions. In summary, the currently available evidence indicates that the variant is pathogenic, but additional data are needed to prove that conclusively. Therefore, this variant has been classified as Likely Pathogenic.

Literature cited by the submitters: PubMed 16199547; PubMed 23542697; PubMed 23542701.